The following is an entry in ClinVar:

ClinVar aggregate classification (germline): Uncertain significance (1 of 4 stars; one submission).

gnomAD v4.1: 1 of 1,599,104 alleles (0.000063%); no homozygotes.

Submission:

Labcorp Genetics (formerly Invitae), Labcorp
Classification: Uncertain significance. Last evaluated: 2024-05-06. Review status: criteria provided, single submitter. Criteria: Invitae Variant Classification Sherloc (09022015). Collection method: clinical testing. Allele origin: germline.
Comment: This sequence change replaces threonine, which is neutral and polar, with isoleucine, which is neutral and non-polar, at codon 121 of the WNT5A protein (p.Thr121Ile). This variant is not present in population databases (gnomAD no frequency). This variant has not been reported in the literature in individuals affected with WNT5A-related conditions. Advanced modeling of protein sequence and biophysical properties (such as structural, functional, and spatial information, amino acid conservation, physicochemical variation, residue mobility, and thermodynamic stability) performed at Invitae indicates that this missense variant is not expected to disrupt WNT5A protein function with a negative predictive value of 80%. In summary, the available evidence is currently insufficient to determine the role of this variant in disease. Therefore, it has been classified as a Variant of Uncertain Significance.

NM_003392.7(WNT5A):c.362C>T (p.Thr121Ile)

Gene: WNT5A (Wnt family member 5A; minus strand). Cytogenetic location: 3p14.3.
Variant type: single nucleotide variant.
Coding change: c.362C>T on transcript NM_003392.7 (MANE Select); coding-DNA position 362, C replaced by T.
Protein change: p.Thr121Ile; replaces threonine 121 with isoleucine.
Molecular consequence: missense variant.
Genome position (GRCh38, 1-based): chr3:55,479,343, G>A on the plus strand (C>T on the coding strand, the complement: WNT5A is on the minus strand). VCF-style: chr3-55479343-G-A. GRCh37 (hg19) VCF-style: chr3-55513371-G-A.
Other names: c.317C>T, p.Thr106Ile (NM_001256105.1, NM_001377271.1, NM_001377272.1); short protein forms T121I, T106I.
Identifiers: ClinVar variation 3675791 (VCV003675791.2).
Genomic context (GRCh38, chr3:55,479,343, plus strand): 5'-TTTTAAAAAAATATTTTAAATGTTTTCCTACCTATCTGCATCACCCTGCCAAAAACAGAG[G>A]TGTTATCCACAGTGCTGCAGTTCCACCTTCGATGTCGGAATTGATACTGGCATTCTTTGA-3'
Protein context (NP_003383.4, residues 111-131): RRWNCSTVDN[Thr121Ile]SVFGRVMQIG